The following is an entry in ClinVar:

ClinVar aggregate classification (germline): Pathogenic (3 of 4 stars; one submission).

Conditions:
Breast-ovarian cancer, familial, susceptibility to, 1 (BROVCA1). Also called: BRCA1 Hereditary Breast and Ovarian Cancer; OVARIAN CANCER, SUSCEPTIBILITY TO. Identifiers: Orphanet 145, MedGen C2676676, MONDO:0011450, OMIM 604370. Disease mechanism: loss of function.

Submission:

Evidence-based Network for the Interpretation of Germline Mutant Alleles (ENIGMA)
Classification: Pathogenic for Breast-ovarian cancer, familial, susceptibility to, 1. Last evaluated: 2016-10-18. Review status: reviewed by expert panel. Criteria: ENIGMA BRCA1/2 Classification Criteria (2015). Collection method: curation. Allele origin: germline.
Comment: Variant allele predicted to encode a truncated non-functional protein.

NM_007294.4(BRCA1):c.485_486dup (p.Arg163Ter)

Gene: BRCA1 (BRCA1 DNA repair associated; minus strand). Cytogenetic location: 17q21.31.
Variant type: Microsatellite.
Coding change: c.485_486dup on transcript NM_007294.4 (MANE Select); coding-DNA positions 485 to 486, 2 bases duplicated (TG; older notation c.485_486dupTG).
Protein change: p.Arg163Ter; replaces arginine 163 with a stop codon.
Molecular consequence: nonsense. On other transcripts: frameshift variant (364), non-coding transcript variant (1).
Genome position (GRCh38, 1-based): chr17:43,099,836-43,099,837, CA duplicated on the plus strand (TG on the coding strand, the reverse complement: BRCA1 is on the minus strand); duplicating any 2 consecutive bases within chr17:43,099,836-43,099,839 gives the same sequence; the c. name uses the placement nearest the transcript's 3' end. VCF-style (leftmost placement, unchanged base first): chr17-43099835-T-TCA. GRCh37 (hg19) VCF-style: chr17-41251852-T-TCA.
Other names: 605_606insTG; c.485_486dup (NM_007294.3); c.270_271TG[3], p.Arg92Terfs (NM_001407571.1, NM_001407853.1, NM_001407894.1 and 18 more transcripts); c.483_484TG[3], p.Arg163Terfs (NM_001407581.1, NM_001407582.1, NM_001407583.1 and 95 more transcripts); c.480_481TG[3], p.Arg162Terfs (NM_001407587.1, NM_001407590.1, NM_001407591.1 and 65 more transcripts); c.474_475TG[3], p.Arg160Terfs (NM_001407646.1, NM_001407647.1, NM_001408408.1); c.405_406TG[3], p.Arg137Terfs (NM_001407653.1, NM_001407654.1, NM_001407655.1 and 12 more transcripts); c.402_403TG[3], p.Arg136Terfs (NM_001407659.1, NM_001407660.1, NM_001407661.1 and 6 more transcripts); and 8 more; short protein forms R163*, R116*.
Identifiers: ClinVar variation 266497 (VCV000266497.4), dbSNP rs80357708, ClinGen allele CA10590007.